The following is an entry in ClinVar:

NM_006295.3(VARS1):c.542G>A (p.Arg181His)

Genes: VARS1 (valyl-tRNA synthetase 1; minus strand), LOC126859651 (CDK7 strongly-dependent group 2 enhancer GRCh37_chr6:31759783-31760982; plus strand). Cytogenetic location: 6p21.33.
Variant type: single nucleotide variant.
Coding change: c.542G>A on transcript NM_006295.3 (MANE Select); coding-DNA position 542, G replaced by A.
Protein change: p.Arg181His; replaces arginine 181 with histidine.
Molecular consequence: missense variant.
Genome position (GRCh38, 1-based): chr6:31,792,876, C>T on the plus strand (G>A on the coding strand, the complement: VARS1 is on the minus strand). VCF-style: chr6-31792876-C-T. GRCh37 (hg19) VCF-style: chr6-31760653-C-T.
Other names: short protein forms R181H.
Identifiers: ClinVar variation 708430 (VCV000708430.28), dbSNP rs144131888, ClinGen allele CA3723538.

ClinVar aggregate classification (germline): Benign/Likely benign. Review status: criteria provided, multiple submitters, no conflicts (2 of 4 stars). 3 submissions from 3 submitters: Benign (2); Likely benign (1). Last evaluated 2025-08-02.

Conditions:
Inborn genetic diseases. Identifiers: MedGen C0950123, MeSH D030342.

Allele frequency attached by ClinVar (database versions not stated): gnomAD exomes 0.00037 and 0.00086; ExAC 0.00099; gnomAD 0.00318 and 0.00335; ESP Exome Variant Server 0.00346; 1000 Genomes Project 30x 0.00390; TOPMed 0.00397; 1000 Genomes Project 0.00419.
gnomAD v4.1: 1,025 of 1,614,116 alleles (0.064%); highest among the groups gnomAD compares: African/African-American, 0.97%; 4 homozygotes.

Submissions (3):

Ambry Genetics
Classification: Likely benign for Inborn genetic diseases. Last evaluated: 2025-08-02. Review status: criteria provided, single submitter. Criteria: Ambry Variant Classification Scheme 2023. Collection method: clinical testing. Allele origin: germline.

CeGaT Center for Human Genetics Tuebingen
Classification: Benign. Last evaluated: 2024-09-01. Review status: criteria provided, single submitter. Criteria: CeGaT Center For Human Genetics Tuebingen Variant Classification Criteria Version 2. Collection method: clinical testing. Allele origin: germline. Affected: yes. Observed: 2 variant alleles.
Comment: VARS1: BS1, BS2

Labcorp Genetics (formerly Invitae), Labcorp
Classification: Benign. Last evaluated: 2018-07-06. Review status: criteria provided, single submitter. Criteria: Invitae Variant Classification Sherloc (09022015). Collection method: clinical testing. Allele origin: germline.